The following is an entry in ClinVar:

ClinVar aggregate classification (germline): Benign/Likely benign. Review status: criteria provided, multiple submitters, no conflicts (2 of 4 stars). 10 submissions from 10 submitters: Benign (7); Likely benign (2). 1 of the submissions does not count toward it. Last evaluated 2026-08-01.

Conditions:
CNTNAP2-related disorder. Also called: CNTNAP2-related condition.
Inborn genetic diseases. Identifiers: MedGen C0950123, MeSH D030342.
Cortical dysplasia-focal epilepsy syndrome (PTHSL1). Also called: Pitt-Hopkins-like syndrome 1. Identifiers: Orphanet 163681, Orphanet 221150, MedGen C2750246, MONDO:0012400, OMIM 610042.

Allele frequency attached by ClinVar (database versions not stated): TOPMed 0.00023; 1000 Genomes Project 30x 0.00765; 1000 Genomes Project 0.00859.
gnomAD v4.1: 3,470 of 1,614,102 alleles (0.21%); highest among the groups gnomAD compares: South Asian, 2.8%; 80 homozygotes.

Submissions (10):

CeGaT Center for Human Genetics Tuebingen
Classification: Benign. Last evaluated: 2026-08-01. Review status: criteria provided, single submitter. Criteria: CeGaT Center For Human Genetics Tuebingen Variant Classification Criteria Version 2. Collection method: clinical testing. Allele origin: germline. Affected: yes. Observed: 5 variant alleles.
Comment: CNTNAP2: BS1, BS2

Labcorp Genetics (formerly Invitae), Labcorp
Classification: Benign for Cortical dysplasia-focal epilepsy syndrome. Last evaluated: 2026-02-02. Review status: criteria provided, single submitter. Criteria: Invitae Variant Classification Sherloc (09022015). Collection method: clinical testing. Allele origin: germline.

Blueprint Genetics
Classification: Likely benign. Last evaluated: 2024-11-27. Review status: criteria provided, single submitter. Criteria: ACMG Guidelines, 2015. Collection method: clinical testing. Allele origin: germline.

Women's Health and Genetics/Laboratory Corporation of America, LabCorp
Classification: Likely benign. Last evaluated: 2023-04-25. Review status: criteria provided, single submitter. Criteria: LabCorp Variant Classification Summary - May 2015. Collection method: clinical testing. Allele origin: germline.

Illumina Laboratory Services, Illumina
Classification: Benign for Cortical dysplasia-focal epilepsy syndrome. Last evaluated: 2018-01-12. Review status: criteria provided, single submitter. Criteria: ICSL Variant Classification Criteria 13 December 2019. Collection method: clinical testing. Allele origin: germline.
Comment: This variant was observed in the ICSL laboratory as part of a predisposition screen in an ostensibly healthy population. It had not been previously curated by ICSL or reported in the Human Gene Mutation Database (HGMD: prior to June 1st, 2018), and was therefore a candidate for classification through an automated scoring system. Utilizing variant allele frequency, disease prevalence and penetrance estimates, and inheritance mode, an automated score was calculated to assess if this variant is too frequent to cause the disease. Based on the score and internal cut-off values, a variant classified as benign is not then subjected to further curation. The score for this variant resulted in a classification of benign for this disease.

Ambry Genetics
Classification: Benign for Inborn genetic diseases. Last evaluated: 2017-09-18. Review status: criteria provided, single submitter. Criteria: Ambry Variant Classification Scheme 2023. Collection method: clinical testing. Allele origin: germline.

Genetic Services Laboratory, University of Chicago
Classification: Benign. Last evaluated: 2017-02-23. Review status: criteria provided, single submitter. Criteria: ACMG Guidelines, 2015. Collection method: clinical testing. Allele origin: germline. Affected: no.

GeneDx
Classification: Benign. Last evaluated: 2015-08-25. Review status: criteria provided, single submitter. Criteria: GeneDx Variant Classification (06012015). Collection method: clinical testing. Allele origin: germline. Affected: yes.
Comment: This variant is considered likely benign or benign based on one or more of the following criteria: it is a conservative change, it occurs at a poorly conserved position in the protein, it is predicted to be benign by multiple in silico algorithms, and/or has population frequency not consistent with disease.

Eurofins Ntd Llc (ga)
Classification: Benign. Last evaluated: 2015-04-24. Review status: criteria provided, single submitter. Criteria: EGL Classification Definitions 2015. Collection method: clinical testing. Allele origin: germline. Observed: 1 variant allele, 1 heterozygote.

PreventionGenetics, part of Exact Sciences
Classification: Benign for CNTNAP2-related condition. Last evaluated: 2021-09-23. Review status: no assertion criteria provided. Collection method: clinical testing. Allele origin: germline. Not counted in ClinVar's aggregate classification.
Comment: This variant is classified as benign based on ACMG/AMP sequence variant interpretation guidelines (Richards et al. 2015 PMID: 25741868, with internal and published modifications).

NM_014141.6(CNTNAP2):c.2356G>T (p.Val786Leu)

Gene: CNTNAP2 (contactin associated protein 2; plus strand). Cytogenetic location: 7q35.
Variant type: single nucleotide variant.
Coding change: c.2356G>T on transcript NM_014141.6 (MANE Select); coding-DNA position 2356, G replaced by T.
Protein change: p.Val786Leu; replaces valine 786 with leucine.
Molecular consequence: missense variant.
Genome position (GRCh38, 1-based): chr7:147,977,962, G>T. VCF-style: chr7-147977962-G-T. GRCh37 (hg19) VCF-style: chr7-147675054-G-T.
Other names: p.V786L:GTA>TTA; short protein forms V786L.
Identifiers: ClinVar variation 194530 (VCV000194530.58), dbSNP rs138517537, ClinGen allele CA302764.
Genomic context (GRCh38, chr7:147,977,962, plus strand): 5'-CCAGTGAGCCAAGTGGTGGTTGGAGATACTGACCGTCAAGGCTCAGAAGCCAAATTGAGC[G>T]TAGGTCCTCTGCGCTGCCAAGGAGACAGTAAGTTTGCATAGCAGCTATGGCTTGCACTTT-3'
Protein context (NP_054860.1, residues 776-796): DRQGSEAKLS[Val786Leu]GPLRCQGDRN